The following is an entry in ClinVar:

NM_002458.3(MUC5B):c.11937C>T (p.Thr3979=)

Genes: MUC5B (mucin 5B, oligomeric mucus/gel-forming; plus strand), MUC5B-AS1 (MUC5B antisense RNA 1; minus strand). Cytogenetic location: 11p15.5.
Variant type: single nucleotide variant.
Coding change: c.11937C>T on transcript NM_002458.3 (MANE Select); coding-DNA position 11937, C replaced by T.
Protein change: p.Thr3979=; no amino-acid change (threonine 3979 retained).
Molecular consequence: synonymous variant.
Genome position (GRCh38, 1-based): chr11:1,248,817, C>T. VCF-style: chr11-1248817-C-T. GRCh37 (hg19) VCF-style: chr11-1270047-C-T.
Identifiers: ClinVar variation 5040987 (VCV005040987.1).

ClinVar aggregate classification (germline): Likely benign (1 of 4 stars; one submission).

gnomAD v4.1: 80 of 1,547,918 alleles (0.0052%); highest among the groups gnomAD compares: Admixed American, 0.016%; no homozygotes.

Submission:

CeGaT Center for Human Genetics Tuebingen
Classification: Likely benign. Last evaluated: 2026-09-01. Review status: criteria provided, single submitter. Criteria: CeGaT Center For Human Genetics Tuebingen Variant Classification Criteria Version 2. Collection method: clinical testing. Allele origin: germline. Affected: yes. Observed: 1 variant allele.
Comment: MUC5B: BP4, BP7